The following is an entry in ClinVar:

NM_004380.3(CREBBP):c.2344A>G (p.Asn782Asp)

Gene: CREBBP (CREB binding lysine acetyltransferase; minus strand). Cytogenetic location: 16p13.3.
Variant type: single nucleotide variant.
Coding change: c.2344A>G on transcript NM_004380.3 (MANE Select); coding-DNA position 2344, A replaced by G.
Protein change: p.Asn782Asp; replaces asparagine 782 with aspartic acid.
Molecular consequence: missense variant.
Genome position (GRCh38, 1-based): chr16:3,773,870, T>C on the plus strand (A>G on the coding strand, the complement: CREBBP is on the minus strand). VCF-style: chr16-3773870-T-C. GRCh37 (hg19) VCF-style: chr16-3823871-T-C.
Other names: c.2230A>G, p.Asn744Asp (NM_001079846.1); short protein forms N744D, N782D.
Identifiers: ClinVar variation 3344546 (VCV003344546.1).

ClinVar aggregate classification (germline): Uncertain significance (0 of 4 stars; one submission).

Conditions:
CREBBP-related disorder. Also called: CREBBP-related condition; CREBBP-related disorders.

gnomAD v4.1: 3 of 1,612,238 alleles (0.00019%); highest among the groups gnomAD compares: Non-Finnish European, 0.00025%; no homozygotes.

Submission:

PreventionGenetics, part of Exact Sciences
Classification: Uncertain significance for CREBBP-related condition. Last evaluated: 2024-05-24. Review status: no assertion criteria provided. Collection method: clinical testing. Allele origin: germline.
Comment: The CREBBP c.2344A>G variant is predicted to result in the amino acid substitution p.Asn782Asp. To our knowledge, this variant has not been reported in the literature or in a large population database, indicating this variant is rare. At this time, the clinical significance of this variant is uncertain due to the absence of conclusive functional and genetic evidence.